The following is an entry in ClinVar:

NM_000268.4(NF2):c.1669G>A (p.Ala557Thr)

Gene: NF2 (NF2, moesin-ezrin-radixin like (MERLIN) tumor suppressor; plus strand). Cytogenetic location: 22q12.2.
Variant type: single nucleotide variant.
Coding change: c.1669G>A on transcript NM_000268.4 (MANE Select); coding-DNA position 1669, G replaced by A.
Protein change: p.Ala557Thr; replaces alanine 557 with threonine.
Molecular consequence: missense variant. On other transcripts: intron variant (3).
Genome position (GRCh38, 1-based): chr22:29,681,533, G>A. VCF-style: chr22-29681533-G-A. GRCh37 (hg19) VCF-style: chr22-30077522-G-A.
Other names: c.1420G>A, p.Ala474Thr (NM_001407063.1, NM_181830.3, NM_181831.3); c.1135G>A, p.Ala379Thr (NM_001407065.1); c.1669G>A, p.Ala557Thr (NM_001407066.1, NM_016418.5, NM_181825.3 and 1 more transcripts); c.1438G>A, p.Ala480Thr (NM_001407067.1); c.1543G>A, p.Ala515Thr (NM_181828.3, NM_001407055.1); c.1546G>A, p.Ala516Thr (NM_181829.3, NM_001407054.1, NM_001407058.1); c.1574+3210G>A (NM_001407060.1); c.448-13219G>A (NM_181833.3); and 4 more; short protein forms A480T, A512T, A515T, A379T, A557T, A516T, A519T, A471T.
Identifiers: ClinVar variation 2717562 (VCV002717562.4), dbSNP rs754087219, ClinGen allele CA032511.

ClinVar aggregate classification (germline): Uncertain significance. Review status: criteria provided, multiple submitters, no conflicts (2 of 4 stars). 2 submissions from 2 submitters: Uncertain significance (2). Last evaluated 2024-07-29.

Conditions:
Neurofibromatosis, type 2 (SWNV). Also called: BILATERAL ACOUSTIC NEUROFIBROMATOSIS; SCHWANNOMATOSIS, VESTIBULAR; NF2-Related Schwannomatosis. Identifiers: Orphanet 637, MedGen C0027832, MONDO:0007039, OMIM 101000. Disease mechanism: loss of function.

Allele frequency attached by ClinVar (database versions not stated): gnomAD exomes 0.00001; ExAC 0.00002.
gnomAD v4.1: 3 of 1,614,202 alleles (0.00019%); highest among the groups gnomAD compares: Non-Finnish European, 0.00025%; no homozygotes.

Submissions (2):

All of Us Research Program, National Institutes of Health
Classification: Uncertain significance for Neurofibromatosis, type 2. Last evaluated: 2024-07-29. Review status: criteria provided, single submitter. Criteria: ACMG Guidelines, 2015. Collection method: clinical testing. Allele origin: germline. Inheritance: Autosomal dominant inheritance. Observed: 1 variant allele, 1 heterozygote.
Comment: This missense variant replaces alanine with threonine at codon 557 of the NF2 protein. Computational prediction suggests that this variant may not impact protein structure and function. To our knowledge, functional studies have not been reported for this variant. This variant has not been reported in individuals affected with NF2-related disorders in the literature. This variant has been identified in 2/251416 chromosomes in the general population by the Genome Aggregation Database (gnomAD). The available evidence is insufficient to determine the role of this variant in disease conclusively. Therefore, this variant is classified as a Variant of Uncertain Significance.

This study involves interpretation of variants in research participants for the purpose of population health screening. Participant phenotype was not available at the time of variant classification. Additional details can be found in publication PMID: 35346344, PMCID: PMC8962531

Labcorp Genetics (formerly Invitae), Labcorp
Classification: Uncertain significance for Neurofibromatosis, type 2. Last evaluated: 2023-09-26. Review status: criteria provided, single submitter. Criteria: Invitae Variant Classification Sherloc (09022015). Collection method: clinical testing. Allele origin: germline.
Comment: This sequence change replaces alanine, which is neutral and non-polar, with threonine, which is neutral and polar, at codon 557 of the NF2 protein (p.Ala557Thr). This variant is present in population databases (rs754087219, gnomAD 0.002%). This variant has not been reported in the literature in individuals affected with NF2-related conditions. Advanced modeling of protein sequence and biophysical properties (such as structural, functional, and spatial information, amino acid conservation, physicochemical variation, residue mobility, and thermodynamic stability) performed at Invitae indicates that this missense variant is not expected to disrupt NF2 protein function. In summary, the available evidence is currently insufficient to determine the role of this variant in disease. Therefore, it has been classified as a Variant of Uncertain Significance.